The following is an entry in ClinVar:

NM_182961.4(SYNE1):c.21522G>A (p.Gln7174=)

Gene: SYNE1 (spectrin repeat containing nuclear envelope protein 1; minus strand). Cytogenetic location: 6q25.2.
Variant type: single nucleotide variant.
Coding change: c.21522G>A on transcript NM_182961.4 (MANE Select); coding-DNA position 21522, G replaced by A.
Protein change: p.Gln7174=; no amino-acid change (glutamine 7174 retained).
Molecular consequence: synonymous variant.
Genome position (GRCh38, 1-based): chr6:152,224,494, C>T on the plus strand (G>A on the coding strand, the complement: SYNE1 is on the minus strand). VCF-style: chr6-152224494-C-T. GRCh37 (hg19) VCF-style: chr6-152545629-C-T.
Other names: c.21309G>A, p.Gln7103= (NM_033071.5).
Identifiers: ClinVar variation 5019312 (VCV005019312.2).
Genomic context (GRCh38, chr6:152,224,494, plus strand): 5'-AATTTTTCAGTTTTCTAAAATTAAAATGAACGTTAAGGATGTGTTAAATTAATTCCTTAC[C>T]TGAAGATTGTCCACCTGAACTTGCACAGCTTCTAAGGAGCCAGTCAGCAGACGGAATCGG-3'
Protein context (NP_892006.3, residues 7164-7184): EAVQVQVDNL[Gln7174=]NLQDDLEKQE

ClinVar aggregate classification (germline): Uncertain significance (1 of 4 stars; one submission).

Conditions:
Autosomal recessive ataxia, Beauce type. Also called: Spinocerebellar ataxia, autosomal recessive 8; SYNE1 Deficiency; ATAXIA, RECESSIVE, OF BEAUCE; SYNE1-Related Autosomal Recessive Cerebellar Ataxia. Identifiers: Orphanet 88644, MedGen C1853116, MONDO:0012549, OMIM 610743.
Arthrogryposis multiplex congenita 3, myogenic type. Also called: ARTHROGRYPOSIS MULTIPLEX CONGENITA, MYOGENIC TYPE. Identifiers: MedGen C5193121, MONDO:0032778, OMIM 618484.
Emery-Dreifuss muscular dystrophy 4, autosomal dominant (EDMD4). Also called: EMERY-DREIFUSS MUSCULAR DYSTROPHY 4 WITH VARIABLE FEATURES. Identifiers: Orphanet 261, MedGen C2751807, MONDO:0013071, OMIM 612998.

Submission:

Juno Genomics, Hangzhou Juno Genomics, Inc
Classification: Uncertain significance for Arthrogryposis multiplex congenita 3, myogenic type; Emery-Dreifuss muscular dystrophy 4, autosomal dominant; Autosomal recessive ataxia, Beauce type. Review status: criteria provided, single submitter. Criteria: ACMG Guidelines, 2015. Collection method: clinical testing. Allele origin: germline.
Comment: Absent from controls (or at extremely low frequency if recessive) in Genome Aggregation Database.;Multiple lines of computational evidence support a deleterious effect on the gene or gene product.